The following is an entry in ClinVar:

ClinVar aggregate classification (germline): Uncertain significance (1 of 4 stars; one submission).

Conditions:
SCAPER-related disorder. Also called: SCAPER-related condition.

Submission:

PreventionGenetics, part of Exact Sciences
Classification: Uncertain significance for SCAPER-related condition. Last evaluated: 2025-12-31. Review status: criteria provided, single submitter. Criteria: ACMG Guidelines, 2015. Collection method: clinical testing. Allele origin: germline.
Comment: The SCAPER c.1422C>G variant is predicted to result in the amino acid substitution p.Asn474Lys. To our knowledge, this variant has not been reported in the literature or in a large population database (gnomAD), indicating this variant is rare. At this time, the clinical significance of this variant is uncertain due to the absence of conclusive functional and genetic evidence.

NM_020843.4(SCAPER):c.1404C>G (p.Asn468Lys)

Gene: SCAPER (S-phase cyclin A associated protein in the ER; minus strand). Cytogenetic location: 15q24.3.
Variant type: single nucleotide variant.
Coding change: c.1404C>G on transcript NM_020843.4 (MANE Select); coding-DNA position 1404, C replaced by G.
Protein change: p.Asn468Lys; replaces asparagine 468 with lysine.
Molecular consequence: missense variant. On other transcripts: non-coding transcript variant (1).
Genome position (GRCh38, 1-based): chr15:76,766,933, G>C on the plus strand (C>G on the coding strand, the complement: SCAPER is on the minus strand). VCF-style: chr15-76766933-G-C. GRCh37 (hg19) VCF-style: chr15-77059274-G-C.
Other names: c.666C>G, p.Asn222Lys (NM_001145923.2); c.1422C>G, p.Asn474Lys (NM_001353009.2); c.1002C>G, p.Asn334Lys (NM_001353010.2, NM_001353012.2); c.1020C>G, p.Asn340Lys (NM_001353011.2); short protein forms N334K, N468K, N222K, N340K, N474K.
Identifiers: ClinVar variation 4992646 (VCV004992646.1).